The following is an entry in ClinVar:

ClinVar aggregate classification (germline): Likely pathogenic (1 of 4 stars; one submission).

Conditions:
LEPR-related disorder. Also called: LEPR-related disorders; LEPR-related condition.

Submission:

PreventionGenetics, part of Exact Sciences
Classification: Likely pathogenic for LEPR-related condition. Last evaluated: 2025-03-02. Review status: criteria provided, single submitter. Criteria: ACMG Guidelines, 2015. Collection method: clinical testing. Allele origin: germline.
Comment: The LEPR c.2075C>G variant is predicted to result in premature protein termination (p.Ser692*). To our knowledge, this variant has not been reported in the literature or in a large population database (gnomAD), indicating this variant is rare. Nonsense variants in LEPR are expected to be pathogenic. This variant is interpreted as likely pathogenic.

NM_002303.6(LEPR):c.2075C>G (p.Ser692Ter)

Genes: LEPR (leptin receptor; plus strand), LOC122094844 (Sharpr-MPRA regulatory region 5730; plus strand). Cytogenetic location: 1p31.3.
Variant type: single nucleotide variant.
Coding change: c.2075C>G on transcript NM_002303.6 (MANE Select); coding-DNA position 2075, C replaced by G.
Protein change: p.Ser692Ter; replaces serine 692 with a stop codon.
Molecular consequence: nonsense.
Genome position (GRCh38, 1-based): chr1:65,616,087, C>G. VCF-style: chr1-65616087-C-G. GRCh37 (hg19) VCF-style: chr1-66081770-C-G.
Other names: c.2075C>G, p.Ser692Ter (NM_001003679.3, NM_001003680.3, NM_001198687.2 and 2 more transcripts); short protein forms S692*.
Identifiers: ClinVar variation 5001382 (VCV005001382.1).